The following is an entry in ClinVar:

ClinVar aggregate classification (germline): Pathogenic/Likely pathogenic. Review status: criteria provided, multiple submitters, no conflicts (2 of 4 stars). 4 submissions from 4 submitters: Pathogenic (3); Likely pathogenic (1). Last evaluated 2026-09-08.

Conditions:
Fabry disease. Also called: GLA DEFICIENCY; Fabry's disease; ALPHA-GALACTOSIDASE A DEFICIENCY; ANDERSON-FABRY DISEASE; CERAMIDE TRIHEXOSIDASE DEFICIENCY; Ceramide trihexosidosis. Identifiers: Orphanet 324, MedGen C0002986, MONDO:0010526, OMIM 301500, HP:0001071. Disease mechanism: Fabry disease is due to inactivating mutations in the X-linked GLA gene resulting in deficiency of the enzyme Alpha Galactosidase-A., loss of function.

Submissions (4):

Genomenon, Inc
Classification: Pathogenic for Fabry disease. Last evaluated: 2026-09-08. Review status: criteria provided, single submitter. Criteria: Genomenon Sequence Variant Interpretation Standards - Updated. Collection method: curation. Allele origin: germline. Affected: yes.
Comment: GLA p.Met284AspfsTer15 (c.848dup) is a frameshift variant that is predicted to introduce a premature termination codon and result in a truncated or absent protein product. This variant has been observed in at least one proband with clinical features consistent with Fabry disease (PMID:32813676). It is absent or not present at a significant frequency in gnomAD. In conclusion, we classify GLA p.Met284AspfsTer15 (c.848dup) as a pathogenic variant.

Genome-Nilou Lab
Classification: Pathogenic for Fabry disease. Last evaluated: 2021-07-15. Review status: criteria provided, single submitter. Criteria: ACMG Guidelines, 2015. Collection method: clinical testing. Allele origin: germline. Affected: no.

Eurofins Ntd Llc (ga)
Classification: Pathogenic. Last evaluated: 2017-11-27. Review status: criteria provided, single submitter. Criteria: EGL Classification Definitions 2015. Collection method: clinical testing. Allele origin: germline. Observed: 5 variant alleles, 3 heterozygotes, 2 hemizygotes.

Women's Health and Genetics/Laboratory Corporation of America, LabCorp
Classification: Likely pathogenic for Fabry disease. Last evaluated: 2017-08-15. Review status: criteria provided, single submitter. Criteria: LabCorp Variant Classification Summary - May 2015. Collection method: clinical testing. Allele origin: germline.
Comment: Variant summary: The GLA c.848dupA (p.Met284Aspfs) variant results in a premature termination codon, predicted to cause a truncated or absent GLA protein due to nonsense mediated decay, which are commonly known mechanisms for disease. Truncations downstream of this position have been classified as pathogenic by our laboratory (e.g. c.901C>T, p.Arg301X; c.996_999delACAG, p.Gln333fs). One in silico tool predicts a damaging outcome for this variant. This variant was not found in the large control database gnomAD in 159575 control chromosomes. The variant of interest has not, to our knowledge, been reported in affected individuals via publications and/or reputable databases/clinical diagnostic laboratories; nor evaluated for functional impact by in vivo/vitro studies. Taken together, this variant is classified as likely pathogenic.

Literature cited by the submitters: PubMed 32813676 (cited by Genomenon, Inc).

NM_000169.3(GLA):c.848dup (p.Met284fs)

Genes: GLA (galactosidase alpha; minus strand), RPL36A-HNRNPH2 (RPL36A-HNRNPH2 readthrough; plus strand). Cytogenetic location: Xq22.1.
Variant type: Duplication.
Coding change: c.848dup on transcript NM_000169.3 (MANE Select); coding-DNA position 848, one base duplicated (A; older notation c.848dupA).
Protein change: p.Met284fs; shifts the reading frame from methionine 284.
Molecular consequence: frameshift variant. On other transcripts: non-coding transcript variant (3), intron variant (2).
Genome position (GRCh38, 1-based): chrX:101,398,521, T duplicated on the plus strand (A on the coding strand, the reverse complement: GLA is on the minus strand). VCF-style (leftmost placement, unchanged base first): chrX-101398520-C-CT. GRCh37 (hg19) VCF-style: chrX-100653508-C-CT.
Other names: c.848dupA (NM_000169.2); c.971dup, p.Met325fs (NM_001406747.1); c.848dup, p.Met284fs (NM_001406748.1); c.300+3064dup (NM_001199973.2); c.177+6699dup (NM_001199974.2); short protein forms M284fs, M325fs.
Identifiers: ClinVar variation 495697 (VCV000495697.9), dbSNP rs1555985002, ClinGen allele CA658684325.